The following is an entry in ClinVar:

NM_000059.4(BRCA2):c.7286A>C (p.Glu2429Ala)

Gene: BRCA2 (BRCA2 DNA repair associated; plus strand). Cytogenetic location: 13q13.1.
Variant type: single nucleotide variant.
Coding change: c.7286A>C on transcript NM_000059.4 (MANE Select); coding-DNA position 7286, A replaced by C.
Protein change: p.Glu2429Ala; replaces glutamic acid 2429 with alanine.
Molecular consequence: missense variant.
Genome position (GRCh38, 1-based): chr13:32,355,139, A>C. VCF-style: chr13-32355139-A-C. GRCh37 (hg19) VCF-style: chr13-32929276-A-C.
Other names: c.7190A>C, p.Glu2397Ala (NM_001406719.1); c.7286A>C, p.Glu2429Ala (NM_001406720.1); c.2354A>C, p.Glu785Ala (NM_001406721.1); c.869A>C, p.Glu290Ala (NM_001406722.1); short protein forms E2429A, E2397A, E290A, E785A.
Identifiers: ClinVar variation 2134717 (VCV002134717.4), dbSNP rs2137557648, ClinGen allele CA387740760.

ClinVar aggregate classification (germline): Uncertain significance (1 of 4 stars; one submission).

Conditions:
Hereditary breast ovarian cancer syndrome. Also called: Hereditary breast and ovarian cancer; Hereditary breast and/or ovarian cancer syndrome; Hereditary breast and ovarian cancer syndrome (HBOC); Breast and ovarian cancer; Hereditary breast and ovarian cancer syndrome; BRCA1- and BRCA2-Associated Hereditary Breast and Ovarian Cancer. Identifiers: Orphanet 145, MedGen C0677776, MeSH D061325, MONDO:0003582. Disease mechanism: loss of function.

Submission:

Labcorp Genetics (formerly Invitae), Labcorp
Classification: Uncertain significance for Hereditary breast ovarian cancer syndrome. Last evaluated: 2024-03-06. Review status: criteria provided, single submitter. Criteria: Invitae Variant Classification Sherloc (09022015). Collection method: clinical testing. Allele origin: germline.
Comment: This sequence change replaces glutamic acid, which is acidic and polar, with alanine, which is neutral and non-polar, at codon 2429 of the BRCA2 protein (p.Glu2429Ala). This variant is not present in population databases (gnomAD no frequency). This variant has not been reported in the literature in individuals affected with BRCA2-related conditions. ClinVar contains an entry for this variant (Variation ID: 2134717). Advanced modeling of protein sequence and biophysical properties (such as structural, functional, and spatial information, amino acid conservation, physicochemical variation, residue mobility, and thermodynamic stability) performed at Invitae indicates that this missense variant is not expected to disrupt BRCA2 protein function with a negative predictive value of 95%. In summary, the available evidence is currently insufficient to determine the role of this variant in disease. Therefore, it has been classified as a Variant of Uncertain Significance.